The following is an entry in ClinVar:

NM_001267550.2(TTN):c.23378-10C>A

Gene: TTN (titin; minus strand). Cytogenetic location: 2q31.2.
Variant type: single nucleotide variant.
Coding change: c.23378-10C>A on transcript NM_001267550.2 (MANE Select); 10 bases into the intron before coding-DNA position 23378, C replaced by A.
Molecular consequence: intron variant.
Genome position (GRCh38, 1-based): chr2:178,720,274, G>T on the plus strand (C>A on the coding strand, the complement: TTN is on the minus strand). VCF-style: chr2-178720274-G-T. GRCh37 (hg19) VCF-style: chr2-179585001-G-T.
Other names: p.?; c.13282+17808C>A (NM_003319.4); c.13858+17808C>A (NM_133437.4); c.13657+17808C>A (NM_133432.3); c.19646-10C>A (NM_133378.4); c.22427-10C>A (NM_001256850.1).
Identifiers: ClinVar variation 46718 (VCV000046718.69), dbSNP rs72648975, ClinGen allele CA210970.
Genomic context (GRCh38, chr2:178,720,274, plus strand): 5'-CCCCAATAAGGGTTGAGGTGTCACTTAGCTTTTTCACGAATCGTGGAGGTTCTGATGAAA[G>T]AAATTTGTGGTTAGAGGAAAAAATGTGAGAATCATGGCCACACAAGTTATTAGTTAGGCA-3'

ClinVar aggregate classification (germline): Conflicting classifications of pathogenicity. Review status: criteria provided, conflicting classifications (1 of 4 stars). 16 submissions from 12 submitters: Uncertain significance (5); Benign (4); Likely benign (6). 1 of the submissions does not count toward it. Last evaluated 2026-09-21.

Conditions:
Dilated cardiomyopathy 1G (CMD1G). Identifiers: Orphanet 154, MedGen C1858763, MONDO:0011400, OMIM 604145.
Autosomal recessive limb-girdle muscular dystrophy type 2J (LGMDR10). Also called: MUSCULAR DYSTROPHY, LIMB-GIRDLE, AUTOSOMAL RECESSIVE 10; Limb-girdle muscular dystrophy, type 2J. Identifiers: Orphanet 140922, MedGen C1837342, MONDO:0012127, OMIM 608807.
TTN-related disorder. Also called: TTN-related disorders; TTN-related condition; TTN-related disease.
Early-onset myopathy with fatal cardiomyopathy (CMYO5). Also called: CONGENITAL MYOPATHY 5 WITH CARDIOMYOPATHY; Salih Myopathy. Identifiers: Orphanet 289377, MedGen C2673677, MONDO:0012714, OMIM 611705. Disease mechanism: loss of function.
Myopathy, myofibrillar, 9, with early respiratory failure (MFM9). Also called: Myopathy, distal, with early respiratory failure, autosomal dominant; Hereditary myopathy with early respiratory failure; MYOPATHY, PROXIMAL, WITH EARLY RESPIRATORY MUSCLE INVOLVEMENT; EDSTROM MYOPATHY. Identifiers: Orphanet 178464, Orphanet 34521, MedGen C1863599, MONDO:0011362, OMIM 603689.
Tibial muscular dystrophy (TMD). Also called: Udd Distal Myopathy – Tibial Muscular Dystrophy; Tibial muscular dystrophy, tardive; UDD MYOPATHY. Identifiers: Orphanet 609, MedGen C1838244, MONDO:0010870, OMIM 600334.

Allele frequency attached by ClinVar (database versions not stated): ESP Exome Variant Server 0.00042; gnomAD exomes 0.00047 and 0.00064; gnomAD 0.00050 and 0.00051; TOPMed 0.00059; ExAC 0.00047.
gnomAD v4.1: 988 of 1,602,240 alleles (0.062%); highest among the groups gnomAD compares: Non-Finnish European, 0.078%; no homozygotes.

Submissions (16):

Molecular Diagnostic Laboratory for Inherited Cardiovascular Disease, Montreal Heart Institute
Classification: Likely benign. Last evaluated: 2026-09-21. Review status: criteria provided, single submitter. Criteria: ACMG Guidelines, 2015. Collection method: clinical testing. Allele origin: germline. Affected: no.
Comment: BS1

Labcorp Genetics (formerly Invitae), Labcorp
Classification: Likely benign for Dilated cardiomyopathy 1G; Autosomal recessive limb-girdle muscular dystrophy type 2J. Last evaluated: 2026-02-03. Review status: criteria provided, single submitter. Criteria: Invitae Variant Classification Sherloc (09022015). Collection method: clinical testing. Allele origin: germline.

Mayo Clinic Laboratories, Mayo Clinic
Classification: Likely benign. Last evaluated: 2025-11-01. Review status: criteria provided, single submitter. Criteria: ACMG Guidelines, 2015. Collection method: clinical testing. Allele origin: germline. Observed: 1 variant allele.
Comment: BS1, BP4, BP7

Athena Diagnostics
Classification: Likely benign. Last evaluated: 2025-07-15. Review status: criteria provided, single submitter. Criteria: Athena Diagnostics Criteria. Collection method: clinical testing. Allele origin: unknown.
Comment: The frequency of this variant in the general population is higher than would generally be expected for pathogenic variants in this gene.

Blueprint Genetics
Classification: Likely benign. Last evaluated: 2024-05-16. Review status: criteria provided, single submitter. Criteria: ACMG Guidelines, 2015. Collection method: clinical testing. Allele origin: germline.

Women's Health and Genetics/Laboratory Corporation of America, LabCorp
Classification: Benign. Last evaluated: 2022-01-31. Review status: criteria provided, single submitter. Criteria: LabCorp Variant Classification Summary - May 2015. Collection method: clinical testing. Allele origin: germline.

Laboratory for Molecular Medicine, Mass General Brigham Personalized Medicine
Classification: Likely benign. Last evaluated: 2019-12-20. Review status: criteria provided, single submitter. Criteria: LMM Criteria. Collection method: clinical testing. Allele origin: germline. Observed: 3 variant alleles.
Comment: This variant is classified as likely benign because it has been identified in 0.08% (99/124972) of European chromosomes by the gnomAD. ACMG/AMP Criteria applied: BS1, BP4.

Eurofins Ntd Llc (ga)
Classification: Uncertain significance. Last evaluated: 2018-06-26. Review status: criteria provided, single submitter. Criteria: EGL ClinVar v180209 classification definitions. Collection method: clinical testing. Allele origin: germline. Observed: 9 variant alleles, 8 heterozygotes.

Illumina Laboratory Services, Illumina
Classification: Uncertain significance for Autosomal recessive limb-girdle muscular dystrophy type 2J. Last evaluated: 2018-01-13. Review status: criteria provided, single submitter. Criteria: ICSL Variant Classification Criteria 13 December 2019. Collection method: clinical testing. Allele origin: germline.

Illumina Laboratory Services, Illumina
Classification: Benign for Myopathy, myofibrillar, 9, with early respiratory failure. Last evaluated: 2018-01-13. Review status: criteria provided, single submitter. Criteria: ICSL Variant Classification Criteria 13 December 2019. Collection method: clinical testing. Allele origin: germline.
Comment: This variant was observed in the ICSL laboratory as part of a predisposition screen in an ostensibly healthy population. It had not been previously curated by ICSL or reported in the Human Gene Mutation Database (HGMD: prior to June 1st, 2018), and was therefore a candidate for classification through an automated scoring system. Utilizing variant allele frequency, disease prevalence and penetrance estimates, and inheritance mode, an automated score was calculated to assess if this variant is too frequent to cause the disease. Based on the score and internal cut-off values, a variant classified as benign is not then subjected to further curation. The score for this variant resulted in a classification of benign for this disease.

Illumina Laboratory Services, Illumina
Classification: Uncertain significance for Early-onset myopathy with fatal cardiomyopathy. Last evaluated: 2018-01-13. Review status: criteria provided, single submitter. Criteria: ICSL Variant Classification Criteria 13 December 2019. Collection method: clinical testing. Allele origin: germline.

Illumina Laboratory Services, Illumina
Classification: Benign for Tibial muscular dystrophy. Last evaluated: 2018-01-13. Review status: criteria provided, single submitter. Criteria: ICSL Variant Classification Criteria 13 December 2019. Collection method: clinical testing. Allele origin: germline.
Comment: the same text as in the submission from Illumina Laboratory Services, Illumina above.

Illumina Laboratory Services, Illumina
Classification: Uncertain significance for Dilated cardiomyopathy 1G. Last evaluated: 2018-01-13. Review status: criteria provided, single submitter. Criteria: ICSL Variant Classification Criteria 13 December 2019. Collection method: clinical testing. Allele origin: germline.

Center for Pediatric Genomic Medicine, Children's Mercy Hospital and Clinics
Classification: Uncertain significance. Last evaluated: 2016-11-22. Review status: criteria provided, single submitter. Criteria: ACMG Guidelines, 2015. Collection method: clinical testing. Allele origin: germline.
ClinVar note: Converted during submission from Uncertain Significance to Uncertain significance.

GeneDx
Classification: Benign. Last evaluated: 2014-06-09. Review status: criteria provided, single submitter. Criteria: GeneDx Variant Classification (06012015). Collection method: clinical testing. Allele origin: germline. Affected: yes.
Comment: This variant is considered likely benign or benign based on one or more of the following criteria: it is a conservative change, it occurs at a poorly conserved position in the protein, it is predicted to be benign by multiple in silico algorithms, and/or has population frequency not consistent with disease.

PreventionGenetics, part of Exact Sciences
Classification: Likely benign for TTN-related condition. Last evaluated: 2019-04-12. Review status: no assertion criteria provided. Collection method: clinical testing. Allele origin: germline. Not counted in ClinVar's aggregate classification.
Comment: This variant is classified as likely benign based on ACMG/AMP sequence variant interpretation guidelines (Richards et al. 2015 PMID: 25741868, with internal and published modifications).

Literature cited by the submitters: PubMed 37904629 (cited by Athena Diagnostics).